The following is an entry in ClinVar:

NM_001046.3(SLC12A2):c.2465A>G (p.His822Arg)

Gene: SLC12A2 (solute carrier family 12 member 2; plus strand). Cytogenetic location: 5q23.3.
Variant type: single nucleotide variant.
Coding change: c.2465A>G on transcript NM_001046.3 (MANE Select); coding-DNA position 2465, A replaced by G.
Protein change: p.His822Arg; replaces histidine 822 with arginine.
Molecular consequence: missense variant. On other transcripts: non-coding transcript variant (1).
Genome position (GRCh38, 1-based): chr5:128,158,154, A>G. VCF-style: chr5-128158154-A-G. GRCh37 (hg19) VCF-style: chr5-127493846-A-G.
Other names: c.2465A>G (NM_001046.2); c.2465A>G, p.His822Arg (NM_001256461.2); short protein forms H822R.
Identifiers: ClinVar variation 2222729 (VCV002222729.9), dbSNP rs772697470, ClinGen allele CA3393364.
Genomic context (GRCh38, chr5:128,158,154, plus strand): 5'-CAGCTTTACTTCATCTTGTTCATGATTTCACAAAAAATGTTGGTTTGATGATCTGTGGCC[A>G]TGTACATATGGTAAGTATCAATTTTGTTTTCTTTTTCAAGTTTTTTTTTAAAGTTTTATT-3'
Protein context (NP_001037.1, residues 812-832): TKNVGLMICG[His822Arg]VHMGPRRQAM

ClinVar aggregate classification (germline): Uncertain significance. Review status: criteria provided, multiple submitters, no conflicts (2 of 4 stars). 2 submissions from 2 submitters: Uncertain significance (2). Last evaluated 2025-10-21.

Conditions:
Inborn genetic diseases. Identifiers: MedGen C0950123, MeSH D030342.

Allele frequency attached by ClinVar (database versions not stated): gnomAD exomes 0.00002; ExAC 0.00004; gnomAD 0.00011; TOPMed 0.00012.
gnomAD v4.1: 39 of 1,608,906 alleles (0.0024%); highest among the groups gnomAD compares: African/African-American, 0.033%; no homozygotes.

Submissions (2):

Labcorp Genetics (formerly Invitae), Labcorp
Classification: Uncertain significance. Last evaluated: 2025-10-21. Review status: criteria provided, single submitter. Criteria: Invitae Variant Classification Sherloc (09022015). Collection method: clinical testing. Allele origin: germline.
Comment: This sequence change replaces histidine, which is basic and polar, with arginine, which is basic and polar, at codon 822 of the SLC12A2 protein (p.His822Arg). This variant is present in population databases (rs772697470, gnomAD 0.03%). This variant has not been reported in the literature in individuals affected with SLC12A2-related conditions. ClinVar contains an entry for this variant (Variation ID: 2222729). Invitae Evidence Modeling of protein sequence and biophysical properties (such as structural, functional, and spatial information, amino acid conservation, physicochemical variation, residue mobility, and thermodynamic stability) indicates that this missense variant is not expected to disrupt SLC12A2 protein function with a negative predictive value of 80%. In summary, the available evidence is currently insufficient to determine the role of this variant in disease. Therefore, it has been classified as a Variant of Uncertain Significance.

Ambry Genetics
Classification: Uncertain significance for Inborn genetic diseases. Last evaluated: 2025-09-25. Review status: criteria provided, single submitter. Criteria: Ambry Variant Classification Scheme 2023. Collection method: clinical testing. Allele origin: germline.